The following is an entry in ClinVar:

NM_025137.4(SPG11):c.7069C>T (p.Leu2357Phe)

Gene: SPG11 (SPG11 vesicle trafficking associated, spatacsin; minus strand). Cytogenetic location: 15q21.1.
Variant type: single nucleotide variant.
Coding change: c.7069C>T on transcript NM_025137.4 (MANE Select); coding-DNA position 7069, C replaced by T.
Protein change: p.Leu2357Phe; replaces leucine 2357 with phenylalanine.
Molecular consequence: missense variant.
Genome position (GRCh38, 1-based): chr15:44,564,629, G>A on the plus strand (C>T on the coding strand, the complement: SPG11 is on the minus strand). VCF-style: chr15-44564629-G-A. GRCh37 (hg19) VCF-style: chr15-44856827-G-A.
Other names: c.6730C>T, p.Leu2244Phe (NM_001160227.2); short protein forms L2357F, L2244F.
Identifiers: ClinVar variation 188332 (VCV000188332.68), dbSNP rs139334167, ClinGen allele CA334634.

ClinVar aggregate classification (germline): Conflicting classifications of pathogenicity. Review status: criteria provided, conflicting classifications (1 of 4 stars). 12 submissions from 12 submitters: Uncertain significance (3); Benign (1); Likely benign (7). 1 of the submissions does not count toward it. Last evaluated 2026-08-01.

Conditions:
SPG11-related disorder. Also called: SPG11-related condition.
Inborn genetic diseases. Identifiers: MedGen C0950123, MeSH D030342.
Hereditary spastic paraplegia. Also called: Familial spastic paraparesis. Identifiers: Orphanet 685, MedGen C0037773, MONDO:0019064. Disease mechanism: loss of function.
Hereditary spastic paraplegia 11. Also called: Spastic Paraplegia 11; Spastic paraplegia, mental retardation and thin corpus callosum; SPASTIC PARAPLEGIA, AUTOSOMAL RECESSIVE, COMPLICATED, WITH THIN CORPUS CALLOSUM; SPASTIC PARAPLEGIA, AUTOSOMAL RECESSIVE, WITH MENTAL IMPAIRMENT AND THIN CORPUS CALLOSUM; Nakamura Osame syndrome; Autosomal recessive hereditary spastic paraplegia, mental impairment, and thin corpus callosum. Identifiers: Orphanet 2822, MedGen C1858479, MONDO:0011445, OMIM 604360.

Allele frequency attached by ClinVar (database versions not stated): gnomAD 0.00143 and 0.00147; ESP Exome Variant Server 0.00169; 1000 Genomes Project 0.00180; TOPMed 0.00199; 1000 Genomes Project 30x 0.00203.
gnomAD v4.1: 2,145 of 1,613,770 alleles (0.13%); highest among the groups gnomAD compares: Middle Eastern, 0.36%; 2 homozygotes.

Submissions (12):

CeGaT Center for Human Genetics Tuebingen
Classification: Likely benign. Last evaluated: 2026-08-01. Review status: criteria provided, single submitter. Criteria: CeGaT Center For Human Genetics Tuebingen Variant Classification Criteria Version 2. Collection method: clinical testing. Allele origin: germline. Affected: yes. Observed: 13 variant alleles.
Comment: SPG11: BS2

Labcorp Genetics (formerly Invitae), Labcorp
Classification: Benign for Hereditary spastic paraplegia 11. Last evaluated: 2026-02-03. Review status: criteria provided, single submitter. Criteria: Invitae Variant Classification Sherloc (09022015). Collection method: clinical testing. Allele origin: germline.

Women's Health and Genetics/Laboratory Corporation of America, LabCorp
Classification: Likely benign. Last evaluated: 2025-07-01. Review status: criteria provided, single submitter. Criteria: LabCorp Variant Classification Summary - May 2015. Collection method: clinical testing. Allele origin: germline.
Comment: Variant summary: SPG11 c.7069C>T (p.Leu2357Phe) results in a non-conservative amino acid change in the encoded protein sequence. Algorithms developed to predict the effect of missense changes on protein structure and function are either unavailable or do not agree on the potential impact of this missense change. The variant allele was found at a frequency of 0.0014 in 251112 control chromosomes, predominantly at a frequency of 0.0096 within the Ashkenazi Jewish subpopulation in the gnomAD database. The observed variant frequency within Ashkenazi Jewish control individuals in the gnomAD database exceeds the estimated maximal expected allele frequency for a pathogenic variant in SPG11 causing Hereditary spastic paraplegia 11 phenotype. c.7069C>T has been observed in an individual affected with Parkinson's disease who also had co-occurring variants in other genes (Ghani_2015). This report does not provide unequivocal conclusions about association of the variant with Hereditary spastic paraplegia 11. To our knowledge, no experimental evidence demonstrating an impact on protein function has been reported. The following publication has been ascertained in the context of this evaluation (PMID: 25174650). ClinVar contains an entry for this variant (Variation ID: 188332). Based on the evidence outlined above, the variant was classified as likely benign.

Mayo Clinic Laboratories, Mayo Clinic
Classification: Likely benign. Last evaluated: 2025-01-20. Review status: criteria provided, single submitter. Criteria: ACMG Guidelines, 2015. Collection method: clinical testing. Allele origin: germline. Observed: 13 variant alleles.
Comment: BA1

Blueprint Genetics
Classification: Uncertain significance. Last evaluated: 2024-11-22. Review status: criteria provided, single submitter. Criteria: ACMG Guidelines, 2015. Collection method: clinical testing. Allele origin: germline.

Ambry Genetics
Classification: Likely benign for Inborn genetic diseases. Last evaluated: 2021-06-25. Review status: criteria provided, single submitter. Criteria: Ambry Variant Classification Scheme 2023. Collection method: clinical testing. Allele origin: germline.

Genome Diagnostics Laboratory, The Hospital for Sick Children
Classification: Likely benign for Hereditary spastic paraplegia. Last evaluated: 2021-04-07. Review status: criteria provided, single submitter. Criteria: ACMG Guidelines, 2015. Collection method: clinical testing. Allele origin: germline. Affected: yes.

GeneDx
Classification: Likely benign. Last evaluated: 2020-12-17. Review status: criteria provided, single submitter. Criteria: GeneDx Variant Classification Process June 2021. Collection method: clinical testing. Allele origin: germline. Affected: yes.
Comment: This variant is associated with the following publications: (PMID: 25174650, 29525178)

Athena Diagnostics
Classification: Likely benign. Last evaluated: 2018-02-15. Review status: criteria provided, single submitter. Criteria: Athena Diagnostics Criteria. Collection method: clinical testing. Allele origin: germline.

Illumina Laboratory Services, Illumina
Classification: Uncertain significance for Hereditary spastic paraplegia 11. Last evaluated: 2018-01-13. Review status: criteria provided, single submitter. Criteria: ICSL Variant Classification Criteria 13 December 2019. Collection method: clinical testing. Allele origin: germline.

Eurofins Ntd Llc (ga)
Classification: Uncertain significance. Last evaluated: 2016-09-01. Review status: criteria provided, single submitter. Criteria: EGL Classification Definitions 2015. Collection method: clinical testing. Allele origin: germline. Observed: 2 variant alleles, 2 heterozygotes.

PreventionGenetics, part of Exact Sciences
Classification: Benign for SPG11-related condition. Last evaluated: 2023-07-07. Review status: no assertion criteria provided. Collection method: clinical testing. Allele origin: germline. Not counted in ClinVar's aggregate classification.
Comment: This variant is classified as benign based on ACMG/AMP sequence variant interpretation guidelines (Richards et al. 2015 PMID: 25741868, with internal and published modifications).

Literature cited by the submitters: PubMed 25174650 (cited by Women's Health and Genetics/Laboratory Corporation of America, LabCorp and Athena Diagnostics); PubMed 32483926 (cited by Mayo Clinic Laboratories, Mayo Clinic); PubMed 32980267 (cited by Mayo Clinic Laboratories, Mayo Clinic); PubMed 34946792 (cited by Mayo Clinic Laboratories, Mayo Clinic).